The following is an entry in ClinVar:

NM_004006.3(DMD):c.3202G>A (p.Asp1068Asn)

Gene: DMD (dystrophin; minus strand). Cytogenetic location: Xp21.1.
Variant type: single nucleotide variant.
Coding change: c.3202G>A on transcript NM_004006.3 (MANE Select); coding-DNA position 3202, G replaced by A.
Protein change: p.Asp1068Asn; replaces aspartic acid 1068 with asparagine.
Molecular consequence: missense variant.
Genome position (GRCh38, 1-based): chrX:32,464,660, C>T on the plus strand (G>A on the coding strand, the complement: DMD is on the minus strand). VCF-style: chrX-32464660-C-T. GRCh37 (hg19) VCF-style: chrX-32482777-C-T.
Other names: c.3178G>A, p.Asp1060Asn (NM_000109.4); c.3190G>A, p.Asp1064Asn (NM_004009.3); c.2833G>A, p.Asp945Asn (NM_004010.3); short protein forms D1060N, D1064N, D1068N, D945N.
Identifiers: ClinVar variation 4072197 (VCV004072197.1).
Genomic context (GRCh38, chrX:32,464,660, plus strand): 5'-GCTGCTTTTTTAGAATTTCTGAATCCCCAAGGGCAGGCCATTCCTCCTTCAGAAAAACAT[C>T]AACTTCAGCCATCCATTTCTTCAGGGTTTGTATGTGATTCTGAAACGAGACCCGTTATAA-3'
Protein context (NP_003997.2, residues 1058-1078): QTLKKWMAEV[Asp1068Asn]VFLKEEWPAL

ClinVar aggregate classification (germline): Benign (1 of 4 stars; one submission).

Conditions:
Duchenne muscular dystrophy (DMD). Also called: Duchenne Muscular Dystrophy (DMD); MUSCULAR DYSTROPHY, PSEUDOHYPERTROPHIC PROGRESSIVE, DUCHENNE TYPE. Identifiers: Orphanet 98896, MedGen C0013264, MONDO:0010679, OMIM 310200.

gnomAD v4.1: 1 of 1,207,597 alleles (0.000083%); highest among the groups gnomAD compares: Admixed American, 0.0022%; no homozygotes.

Submission:

Medical Genetics Laboratory, Etlik City Hospital
Classification: Benign for Duchenne muscular dystrophy. Last evaluated: 2025-05-15. Review status: criteria provided, single submitter. Criteria: ACMG Guidelines, 2015. Collection method: clinical testing. Allele origin: unknown. Inheritance: X-linked recessive inheritance. Affected: no. Observed: 1 hemizygote.
Comment: Consequently, this variant was classified as benign (BS2, BP4, BP5).